The following is an entry in ClinVar:

NM_004329.3(BMPR1A):c.1337C>A (p.Thr446Lys)

Gene: BMPR1A (bone morphogenetic protein receptor type 1A; plus strand). Cytogenetic location: 10q23.2.
Variant type: single nucleotide variant.
Coding change: c.1337C>A on transcript NM_004329.3 (MANE Select); coding-DNA position 1337, C replaced by A.
Protein change: p.Thr446Lys; replaces threonine 446 with lysine.
Molecular consequence: missense variant.
Genome position (GRCh38, 1-based): chr10:86,921,690, C>A. VCF-style: chr10-86921690-C-A. GRCh37 (hg19) VCF-style: chr10-88681447-C-A.
Other names: c.1337C>A, p.Thr446Lys (NM_001406566.1, NM_001406567.1, NM_001406568.1 and 19 more transcripts); c.1331C>A, p.Thr444Lys (NM_001406583.1); c.1253C>A, p.Thr418Lys (NM_001406584.1, NM_001406585.1, NM_001406586.1 and 2 more transcripts); c.995C>A, p.Thr332Lys (NM_001406589.1); c.1412C>A, p.Thr471Lys (NM_001406559.1); c.1385C>A, p.Thr462Lys (NM_001406560.1); short protein forms T462K, T418K, T444K, T471K, T332K, T446K.
Identifiers: ClinVar variation 1934139 (VCV001934139.6), dbSNP rs2539638687, ClinGen allele CA377462458.

ClinVar aggregate classification (germline): Uncertain significance. Review status: criteria provided, multiple submitters, no conflicts (2 of 4 stars). 2 submissions from 2 submitters: Uncertain significance (2). Last evaluated 2025-12-29.

Conditions:
Juvenile polyposis syndrome (JPS). Identifiers: Orphanet 2929, MedGen C0345893, MONDO:0017380, OMIM 174900.

Allele frequency attached by ClinVar (database versions not stated): gnomAD exomes below 0.00001.
gnomAD v4.1: 1 of 1,614,230 alleles (0.000062%); highest among the groups gnomAD compares: Non-Finnish European, 0.000085%; no homozygotes.

Submissions (2):

Center for Genomic Medicine, Rigshospitalet, Copenhagen University Hospital
Classification: Uncertain significance. Last evaluated: 2025-12-29. Review status: criteria provided, single submitter. Criteria: ACMG Guidelines, 2015. Collection method: clinical testing. Allele origin: germline.
Comment: Classification criteria: PP3

Labcorp Genetics (formerly Invitae), Labcorp
Classification: Uncertain significance for Juvenile polyposis syndrome. Last evaluated: 2022-08-19. Review status: criteria provided, single submitter. Criteria: Invitae Variant Classification Sherloc (09022015). Collection method: clinical testing. Allele origin: germline.
Comment: In summary, the available evidence is currently insufficient to determine the role of this variant in disease. Therefore, it has been classified as a Variant of Uncertain Significance. Advanced modeling of protein sequence and biophysical properties (such as structural, functional, and spatial information, amino acid conservation, physicochemical variation, residue mobility, and thermodynamic stability) performed at Invitae indicates that this missense variant is not expected to disrupt BMPR1A protein function. This variant has not been reported in the literature in individuals affected with BMPR1A-related conditions. This variant is not present in population databases (gnomAD no frequency). This sequence change replaces threonine, which is neutral and polar, with lysine, which is basic and polar, at codon 446 of the BMPR1A protein (p.Thr446Lys).